The following is an entry in ClinVar:

NM_000536.4(RAG2):c.532T>C (p.Cys178Arg)

Gene: RAG2 (recombination activating 2; minus strand). Cytogenetic location: 11p12.
Variant type: single nucleotide variant.
Coding change: c.532T>C on transcript NM_000536.4 (MANE Select); coding-DNA position 532, T replaced by C.
Protein change: p.Cys178Arg; replaces cysteine 178 with arginine.
Molecular consequence: missense variant.
Genome position (GRCh38, 1-based): chr11:36,593,637, A>G on the plus strand (T>C on the coding strand, the complement: RAG2 is on the minus strand). VCF-style: chr11-36593637-A-G. GRCh37 (hg19) VCF-style: chr11-36615187-A-G.
Other names: c.532T>C, p.Cys178Arg (NM_001243785.2, NM_001243786.2); c.532T>C (NM_000536.3); short protein forms C178R.
Identifiers: ClinVar variation 2161891 (VCV002161891.2), dbSNP rs1564997023, ClinGen allele CA380142659.

ClinVar aggregate classification (germline): Uncertain significance. Review status: criteria provided, single submitter (1 of 4 stars). 2 submissions from 2 submitters: Uncertain significance (1). 1 of the submissions does not count toward it. Last evaluated 2022-01-01.

Conditions:
Combined immunodeficiency with skin granulomas. Identifiers: Orphanet 157949, MedGen C2673536, MONDO:0009306, OMIM 233650.
Severe combined immunodeficiency, autosomal recessive, T cell-negative, B cell-negative, NK cell-positive. Also called: SCID, T CELL-NEGATIVE, B CELL-NEGATIVE, NK CELL-POSITIVE; SCID, AR, T-cell negative, B-cell negative, NK cell-positive; Severe combined immunodeficiency due to complete RAG1/2 deficiency. Identifiers: Orphanet 331206, MedGen C1832322, MONDO:0011086, OMIM 601457.
Histiocytic medullary reticulosis. Also called: SEVERE COMBINED IMMUNODEFICIENCY WITH HYPEREOSINOPHILIA; Omenn syndrome. Identifiers: Orphanet 39041, MedGen C2700553, MONDO:0011338, OMIM 603554.

Submissions (2):

Labcorp Genetics (formerly Invitae), Labcorp
Classification: Uncertain significance for Combined immunodeficiency with skin granulomas; Severe combined immunodeficiency, autosomal recessive, T cell-negative, B cell-negative, NK cell-positive. Last evaluated: 2022-01-01. Review status: criteria provided, single submitter. Criteria: Invitae Variant Classification Sherloc (09022015). Collection method: clinical testing. Allele origin: germline.
Comment: This sequence change replaces cysteine, which is neutral and slightly polar, with arginine, which is basic and polar, at codon 178 of the RAG2 protein (p.Cys178Arg). This variant is not present in population databases (gnomAD no frequency). This variant has not been reported in the literature in individuals affected with RAG2-related conditions. Advanced modeling of protein sequence and biophysical properties (such as structural, functional, and spatial information, amino acid conservation, physicochemical variation, residue mobility, and thermodynamic stability) performed at Invitae indicates that this missense variant is expected to disrupt RAG2 protein function. In summary, the available evidence is currently insufficient to determine the role of this variant in disease. Therefore, it has been classified as a Variant of Uncertain Significance.

Natera, Inc.
Classification: Uncertain significance for Omenn syndrome. Last evaluated: 2025-01-24. Review status: no assertion criteria provided. Collection method: clinical testing. Allele origin: germline. Not counted in ClinVar's aggregate classification.